The following is an entry in ClinVar:

ClinVar aggregate classification (germline): Uncertain significance (1 of 4 stars; one submission).

Submission:

Mayo Clinic Laboratories, Mayo Clinic
Classification: Uncertain significance. Last evaluated: 2024-06-20. Review status: criteria provided, single submitter. Criteria: ACMG Guidelines, 2015. Collection method: clinical testing. Allele origin: germline. Observed: 1 variant allele.
Comment: PP3, PM2

NM_004130.4(GYG1):c.995A>G (p.Tyr332Cys)

Gene: GYG1 (glycogenin 1; plus strand). Cytogenetic location: 3q24.
Variant type: single nucleotide variant.
Coding change: c.995A>G on transcript NM_004130.4 (MANE Select); coding-DNA position 995, A replaced by G.
Protein change: p.Tyr332Cys; replaces tyrosine 332 with cysteine.
Molecular consequence: missense variant.
Genome position (GRCh38, 1-based): chr3:149,026,875, A>G. VCF-style: chr3-149026875-A-G. GRCh37 (hg19) VCF-style: chr3-148744662-A-G.
Other names: p.Tyr332Cys; c.944A>G, p.Tyr315Cys (NM_001184720.2); c.724A>G, p.Ile242Val (NM_001184721.2); short protein forms I242V, Y315C, Y332C.
Identifiers: ClinVar variation 3379501 (VCV003379501.1).